The following is an entry in ClinVar:

NM_014806.5(RUSC2):c.3160G>A (p.Ala1054Thr)

Gene: RUSC2 (RUN and SH3 domain containing 2; plus strand). Cytogenetic location: 9p13.3.
Variant type: single nucleotide variant.
Coding change: c.3160G>A on transcript NM_014806.5 (MANE Select); coding-DNA position 3160, G replaced by A.
Protein change: p.Ala1054Thr; replaces alanine 1054 with threonine.
Molecular consequence: missense variant. On other transcripts: non-coding transcript variant (1).
Genome position (GRCh38, 1-based): chr9:35,558,296, G>A. VCF-style: chr9-35558296-G-A. GRCh37 (hg19) VCF-style: chr9-35558293-G-A.
Other names: c.3160G>A, p.Ala1054Thr (NM_001135999.2); c.526G>A, p.Ala176Thr (NM_001330740.2); c.3160G>A (NM_001135999.1); short protein forms A1054T, A176T.
Identifiers: ClinVar variation 1389424 (VCV001389424.9), dbSNP rs748422585, ClinGen allele CA373348315.

ClinVar aggregate classification (germline): Uncertain significance. Review status: criteria provided, multiple submitters, no conflicts (2 of 4 stars). 2 submissions from 2 submitters: Uncertain significance (2). Last evaluated 2025-07-14.

Allele frequency attached by ClinVar (database versions not stated): gnomAD 0.00001; TOPMed 0.00001.
gnomAD v4.1: 16 of 1,614,074 alleles (0.00099%); highest among the groups gnomAD compares: African/African-American, 0.0013%; no homozygotes.

Submissions (2):

Labcorp Genetics (formerly Invitae), Labcorp
Classification: Uncertain significance. Last evaluated: 2025-07-14. Review status: criteria provided, single submitter. Criteria: Invitae Variant Classification Sherloc (09022015). Collection method: clinical testing. Allele origin: germline.
Comment: This sequence change replaces alanine, which is neutral and non-polar, with threonine, which is neutral and polar, at codon 1054 of the RUSC2 protein (p.Ala1054Thr). This variant is not present in population databases (gnomAD no frequency). This variant has not been reported in the literature in individuals affected with RUSC2-related conditions. ClinVar contains an entry for this variant (Variation ID: 1389424). An algorithm developed to predict the effect of missense changes on protein structure and function (PolyPhen-2) suggests that this variant is likely to be disruptive. In summary, the available evidence is currently insufficient to determine the role of this variant in disease. Therefore, it has been classified as a Variant of Uncertain Significance.

Ambry Genetics
Classification: Uncertain significance. Last evaluated: 2022-12-05. Review status: criteria provided, single submitter. Criteria: Ambry Variant Classification Scheme 2023. Collection method: clinical testing. Allele origin: germline.